The following is an entry in ClinVar:

ClinVar aggregate classification (germline): Uncertain significance (1 of 4 stars; one submission).

Conditions:
Cardiovascular phenotype. Identifiers: MedGen CN230736.

Allele frequency attached by ClinVar (database versions not stated): TOPMed below 0.00001.

Submission:

Ambry Genetics
Classification: Uncertain significance for Cardiovascular phenotype. Last evaluated: 2021-11-24. Review status: criteria provided, single submitter. Criteria: Ambry Variant Classification Scheme 2023. Collection method: clinical testing. Allele origin: germline.
Comment: The p.V477E variant (also known as c.1430T>A), located in coding exon 16 of the MYBPC3 gene, results from a T to A substitution at nucleotide position 1430. The valine at codon 477 is replaced by glutamic acid, an amino acid with dissimilar properties. This amino acid position is conserved. In addition, this alteration is predicted to be deleterious by in silico analysis. Since supporting evidence is limited at this time, the clinical significance of this alteration remains unclear.

NM_000256.3(MYBPC3):c.1430T>A (p.Val477Glu)

Gene: MYBPC3 (myosin binding protein C3; minus strand). Cytogenetic location: 11p11.2.
Variant type: single nucleotide variant.
Coding change: c.1430T>A on transcript NM_000256.3 (MANE Select); coding-DNA position 1430, T replaced by A.
Protein change: p.Val477Glu; replaces valine 477 with glutamic acid.
Molecular consequence: missense variant.
Genome position (GRCh38, 1-based): chr11:47,342,857, A>T on the plus strand (T>A on the coding strand, the complement: MYBPC3 is on the minus strand). VCF-style: chr11-47342857-A-T. GRCh37 (hg19) VCF-style: chr11-47364408-A-T.
Other names: short protein forms V477E.
Identifiers: ClinVar variation 1772501 (VCV001772501.2), dbSNP rs1351081437, ClinGen allele CA380325718.
Genomic context (GRCh38, chr11:47,342,857, plus strand): 5'-CCAACACCCATGCCCCGTGCTTCTGGAACTCACCATTTGACTTGCGCCCCCTCCTCCGAT[A>T]CTTCACACTCAAACTCCACCCGCTGCCCCACCATCACCAGCTGGTCCTCCAAGGGGCGCG-3'
Protein context (NP_000247.2, residues 467-487): VGQRVEFECE[Val477Glu]SEEGAQVKWL